The following is an entry in ClinVar:

NM_002519.3(NPAT):c.227A>G (p.Asn76Ser)

Gene: NPAT (nuclear protein, coactivator of histone transcription; minus strand). Cytogenetic location: 11q22.3.
Variant type: single nucleotide variant.
Coding change: c.227A>G on transcript NM_002519.3 (MANE Select); coding-DNA position 227, A replaced by G.
Protein change: p.Asn76Ser; replaces asparagine 76 with serine.
Molecular consequence: missense variant.
Genome position (GRCh38, 1-based): chr11:108,192,181, T>C on the plus strand (A>G on the coding strand, the complement: NPAT is on the minus strand). VCF-style: chr11-108192181-T-C. GRCh37 (hg19) VCF-style: chr11-108062908-T-C.
Other names: c.227A>G, p.Asn76Ser (NM_001321307.1); short protein forms N76S.
Identifiers: ClinVar variation 2624981 (VCV002624981.2), dbSNP rs2496751438, ClinGen allele CA382526728.

ClinVar aggregate classification (germline): Uncertain significance (1 of 4 stars; one submission).

Submission:

Ambry Genetics
Classification: Uncertain significance. Last evaluated: 2023-08-06. Review status: criteria provided, single submitter. Criteria: Ambry Variant Classification Scheme 2023. Collection method: clinical testing. Allele origin: germline.
Comment: The p.N76S variant (also known as c.227A>G), located in coding exon 4 of the NPAT gene, results from an A to G substitution at nucleotide position 227. The asparagine at codon 76 is replaced by serine, an amino acid with highly similar properties. This amino acid position is conserved. In addition, this alteration is predicted to be tolerated by in silico analysis. Since supporting evidence is limited at this time, the clinical significance of this alteration remains unclear.